The following is an entry in ClinVar:

ClinVar aggregate classification (germline): Uncertain significance (1 of 4 stars; one submission).

gnomAD v4.1: 8 of 1,613,988 alleles (0.0005%); highest among the groups gnomAD compares: Non-Finnish European, 0.00068%; no homozygotes.

Submission:

Labcorp Genetics (formerly Invitae), Labcorp
Classification: Uncertain significance. Last evaluated: 2025-11-11. Review status: criteria provided, single submitter. Criteria: Invitae Variant Classification Sherloc (09022015). Collection method: clinical testing. Allele origin: germline.
Comment: This sequence change affects codon 302 of the ADGRE2 mRNA. It is a 'silent' change, meaning that it does not change the encoded amino acid sequence of the ADGRE2 protein. This variant also falls at the last nucleotide of exon 10, which is part of the consensus splice site for this exon. This variant is not present in population databases (gnomAD no frequency). This variant has not been reported in the literature in individuals affected with ADGRE2-related conditions. Variants that disrupt the consensus splice site are a relatively common cause of aberrant splicing (PMID: 17576681, 9536098). Algorithms developed to predict the effect of sequence changes on RNA splicing suggest that this variant is not likely to affect RNA splicing. In summary, the available evidence is currently insufficient to determine the role of this variant in disease. Therefore, it has been classified as a Variant of Uncertain Significance.

Literature cited by the submitters: PubMed 17576681; PubMed 9536098.

NM_013447.4(ADGRE2):c.906G>A (p.Gln302=)

Gene: ADGRE2 (adhesion G protein-coupled receptor E2; minus strand). Cytogenetic location: 19p13.12.
Variant type: single nucleotide variant.
Coding change: c.906G>A on transcript NM_013447.4 (MANE Select); coding-DNA position 906, G replaced by A.
Protein change: p.Gln302=; no amino-acid change (glutamine 302 retained).
Molecular consequence: synonymous variant.
Genome position (GRCh38, 1-based): chr19:14,765,320, C>T on the plus strand (G>A on the coding strand, the complement: ADGRE2 is on the minus strand). VCF-style: chr19-14765320-C-T. GRCh37 (hg19) VCF-style: chr19-14876132-C-T.
Other names: c.906G>A, p.Gln302= (NM_001271052.1); c.759G>A, p.Gln253= (NM_152916.2); c.627G>A, p.Gln209= (NM_152917.2).
Identifiers: ClinVar variation 4776649 (VCV004776649.1).
Genomic context (GRCh38, chr19:14,765,320, plus strand): 5'-GCCTCTGTGGGATGCAGCCACCTTCCTGCCTCGCCCCCTTGCCCTGGGTCCTGTCCTTAC[C>T]TGGATGGTGTTATTGGCCAAGCCTGGCTTGTAGTCTCTGCCCAGGTCCTGGACTTTGTCG-3'
Protein context (NP_038475.2, residues 292-312): YKPGLANNTI[Gln302=]SILQALDELL